The following is an entry in ClinVar:

NM_001875.5(CPS1):c.3318del (p.Pro1105_Trp1106insTer)

Gene: CPS1 (carbamoyl-phosphate synthase 1; plus strand). Cytogenetic location: 2q34.
Variant type: Deletion.
Coding change: c.3318del on transcript NM_001875.5 (MANE Select); coding-DNA position 3318, one base deleted (G; older notation c.3318delG).
Protein change: p.Pro1105_Trp1106insTer.
Molecular consequence: nonsense. On other transcripts: frameshift variant (1), non-coding transcript variant (2).
Genome position (GRCh38, 1-based): chr2:210,648,039, G deleted; the last of 2 consecutive G bases (chr2:210,648,038-210,648,039); deleting either gives the same sequence. VCF-style (leftmost placement, unchanged base first): chr2-210648037-TG-T. GRCh37 (hg19) VCF-style: chr2-211512761-TG-T.
Other names: c.3318del, p.Pro1105_Trp1106insTer (NM_001122633.3, NM_001369257.1); c.3351del, p.Pro1116_Trp1117insTer (NM_001369256.1); c.3318delG, p.Trp1106Terfs (NM_001875.4).
Identifiers: ClinVar variation 4065301 (VCV004065301.2).

ClinVar aggregate classification (germline): Likely pathogenic (1 of 4 stars; one submission).

Conditions:
Congenital hyperammonemia, type I. Also called: CPS I DEFICIENCY; Carbamoyl phosphate synthetase 1 deficiency; Hyperammonemia due to carbamoyl phosphate synthetase 1 deficiency; CPS 1 deficiency; Carbamyl phosphate synthetase (CPS) deficiency; Carbamoyl phosphate synthetase I deficiency disease. Identifiers: Orphanet 147, MedGen C4082171, MONDO:0009376, OMIM 237300.

Submission:

Natera, Inc.
Classification: Likely pathogenic for Carbamoyl-phosphate synthase I deficiency. Last evaluated: 2025-05-26. Review status: criteria provided, single submitter. Criteria: Natera Variant Classification Schema (03/2026). Collection method: clinical testing. Allele origin: germline.
Comment: The c.3318del variant in CPS1 is a frameshift variant predicted to shift the reading frame and introduce a stop codon. This variant is expected to result in nonsense mediated decay, truncation, or a dysfunctional protein product. This variant is rare in the general population with a frequency below the threshold expected for the associated phenotype(s). Given the available evidence, this variant is classified as Likely Pathogenic.